The following is an entry in ClinVar:

NM_006245.4(PPP2R5D):c.409A>G (p.Ser137Gly)

Gene: PPP2R5D (protein phosphatase 2 regulatory subunit B'delta; plus strand). Cytogenetic location: 6p21.1.
Variant type: single nucleotide variant.
Coding change: c.409A>G on transcript NM_006245.4 (MANE Select); coding-DNA position 409, A replaced by G.
Protein change: p.Ser137Gly; replaces serine 137 with glycine.
Molecular consequence: missense variant. On other transcripts: 5 prime UTR variant (1).
Genome position (GRCh38, 1-based): chr6:43,006,997, A>G. VCF-style: chr6-43006997-A-G. GRCh37 (hg19) VCF-style: chr6-42974735-A-G.
Other names: c.409A>G (NM_006245.2); c.-45A>G (NM_001270476.2); c.313A>G, p.Ser105Gly (NM_180976.3); c.91A>G, p.Ser31Gly (NM_180977.3); short protein forms S105G, S31G, S137G.
Identifiers: ClinVar variation 3681843 (VCV003681843.3).

ClinVar aggregate classification (germline): Uncertain significance. Review status: criteria provided, multiple submitters, no conflicts (2 of 4 stars). 2 submissions from 2 submitters: Uncertain significance (2). Last evaluated 2025-10-06.

Conditions:
Inborn genetic diseases. Identifiers: MedGen C0950123, MeSH D030342.

gnomAD v4.1: 5 of 1,614,166 alleles (0.00031%); highest among the groups gnomAD compares: Admixed American, 0.0017%; no homozygotes.

Submissions (2):

Ambry Genetics
Classification: Uncertain significance for Inborn genetic diseases. Last evaluated: 2025-10-06. Review status: criteria provided, single submitter. Criteria: Ambry Variant Classification Scheme 2023. Collection method: clinical testing. Allele origin: germline.
Comment: The c.409A>G (p.S137G) alteration is located in exon 4 (coding exon 4) of the PPP2R5D gene. This alteration results from a A to G substitution at nucleotide position 409, causing the serine (S) at amino acid position 137 to be replaced by a glycine (G). Based on data from gnomAD, the G allele has an overall frequency of <0.001% (1/251484) total alleles studied. The highest observed frequency was 0.001% (1/113766) of European (non-Finnish) alleles. Based on insufficient or conflicting evidence, the clinical significance of this alteration remains unclear.

Labcorp Genetics (formerly Invitae), Labcorp
Classification: Uncertain significance. Last evaluated: 2025-10-01. Review status: criteria provided, single submitter. Criteria: Invitae Variant Classification Sherloc (09022015). Collection method: clinical testing. Allele origin: germline.
Comment: This sequence change replaces serine, which is neutral and polar, with glycine, which is neutral and non-polar, at codon 137 of the PPP2R5D protein (p.Ser137Gly). This variant is present in population databases (rs776013892, gnomAD 0.0009%). This variant has not been reported in the literature in individuals affected with PPP2R5D-related conditions. ClinVar contains an entry for this variant (Variation ID: 3681843). An algorithm developed to predict the effect of missense changes on protein structure and function (PolyPhen-2) suggests that this variant is likely to be disruptive. In summary, the available evidence is currently insufficient to determine the role of this variant in disease. Therefore, it has been classified as a Variant of Uncertain Significance.